The following is an entry in ClinVar:

NM_000179.3(MSH6):c.1205T>A (p.Phe402Tyr)

Gene: MSH6 (mutS homolog 6; plus strand). Cytogenetic location: 2p16.3.
Variant type: single nucleotide variant.
Coding change: c.1205T>A on transcript NM_000179.3 (MANE Select); coding-DNA position 1205, T replaced by A.
Protein change: p.Phe402Tyr; replaces phenylalanine 402 with tyrosine.
Molecular consequence: missense variant. On other transcripts: non-coding transcript variant (4), intron variant (1).
Genome position (GRCh38, 1-based): chr2:47,799,188, T>A. VCF-style: chr2-47799188-T-A. GRCh37 (hg19) VCF-style: chr2-48026327-T-A.
Other names: c.815T>A, p.Phe272Tyr (NM_001281492.2); c.299T>A, p.Phe100Tyr (NM_001281493.2, NM_001281494.2, NM_001406811.1 and 6 more transcripts); c.1301T>A, p.Phe434Tyr (NM_001406795.1, NM_001406802.1); c.1205T>A, p.Phe402Tyr (NM_001406796.1, NM_001406798.1, NM_001406800.1 and 4 more transcripts); c.908T>A, p.Phe303Tyr (NM_001406797.1, NM_001406801.1, NM_001406805.1 and 10 more transcripts); c.680T>A, p.Phe227Tyr (NM_001406799.1, NM_001406806.1, NM_001406807.1); c.1127T>A, p.Phe376Tyr (NM_001406804.1); c.1211T>A, p.Phe404Tyr (NM_001406813.1); and 2 more; short protein forms F272Y, F346Y, F376Y, F404Y, F303Y, F402Y, F434Y, F100Y.
Identifiers: ClinVar variation 3913700 (VCV003913700.1).

ClinVar aggregate classification (germline): Uncertain significance (1 of 4 stars; one submission).

Conditions:
Hereditary cancer-predisposing syndrome. Also called: Hereditary Cancer Syndrome; Hereditary neoplastic syndrome; Neoplastic Syndromes, Hereditary; Tumor predisposition. Identifiers: Orphanet 140162, MedGen C0027672, MeSH D009386, MONDO:0015356.

Submission:

Ambry Genetics
Classification: Uncertain significance for Hereditary cancer-predisposing syndrome. Last evaluated: 2025-06-02. Review status: criteria provided, single submitter. Criteria: Ambry Variant Classification Scheme 2023. Collection method: clinical testing. Allele origin: germline.
Comment: The p.F402Y variant (also known as c.1205T>A), located in coding exon 4 of the MSH6 gene, results from a T to A substitution at nucleotide position 1205. The phenylalanine at codon 402 is replaced by tyrosine, an amino acid with highly similar properties. This amino acid position is conserved. In addition, the in silico prediction for this alteration is inconclusive. Based on the available evidence, the clinical significance of this variant remains unclear.